The following is an entry in ClinVar:

NM_001040142.2(SCN2A):c.1035-113C>T

Gene: SCN2A (sodium voltage-gated channel alpha subunit 2; plus strand). Cytogenetic location: 2q24.3.
Variant type: single nucleotide variant.
Coding change: c.1035-113C>T on transcript NM_001040142.2 (MANE Select); 113 bases into the intron before coding-DNA position 1035, C replaced by T.
Molecular consequence: intron variant.
Genome position (GRCh38, 1-based): chr2:165,313,507, C>T. VCF-style: chr2-165313507-C-T. GRCh37 (hg19) VCF-style: chr2-166170017-C-T.
Other names: c.1035-113C>T (NM_001040143.2, NM_001371246.1, NM_001371247.1 and 1 more transcripts).
Identifiers: ClinVar variation 676752 (VCV000676752.1), dbSNP rs150525722, ClinGen allele CA59730389.
Genomic context (GRCh38, chr2:165,313,507, plus strand): 5'-GTTATTATATAAATCAGTCCACTTAGTGCTGAGTTAAGTACTGGGTAAGGTGAGAGAAAT[C>T]GGCTTTTTTCTAGTGCCTGTATAAAACAGACATTGGCATATATTAAAACAGGAAAACCAA-3'

ClinVar aggregate classification (germline): Likely benign (1 of 4 stars; one submission).

Allele frequency attached by ClinVar (database versions not stated): 1000 Genomes Project 30x 0.01140; TOPMed 0.00701; 1000 Genomes Project 0.01078; gnomAD 0.00593.
gnomAD v4.1: 1,780 of 1,181,204 alleles (0.15%); highest among the groups gnomAD compares: African/African-American, 2.1%; 22 homozygotes.

Submission:

GeneDx
Classification: Likely benign. Last evaluated: 2018-06-14. Review status: criteria provided, single submitter. Criteria: GeneDx Variant Classification (06012015). Collection method: clinical testing. Allele origin: germline. Affected: yes.
Comment: This variant is considered likely benign or benign based on one or more of the following criteria: it is a conservative change, it occurs at a poorly conserved position in the protein, it is predicted to be benign by multiple in silico algorithms, and/or has population frequency not consistent with disease.